The following is an entry in ClinVar:

NM_022765.4(MICAL1):c.347G>A (p.Arg116His)

Gene: MICAL1 (microtubule associated monooxygenase, calponin and LIM domain containing 1; minus strand). Cytogenetic location: 6q21.
Variant type: single nucleotide variant.
Coding change: c.347G>A on transcript NM_022765.4 (MANE Select); coding-DNA position 347, G replaced by A.
Protein change: p.Arg116His; replaces arginine 116 with histidine.
Molecular consequence: missense variant.
Genome position (GRCh38, 1-based): chr6:109,453,757, C>T on the plus strand (G>A on the coding strand, the complement: MICAL1 is on the minus strand). VCF-style: chr6-109453757-C-T. GRCh37 (hg19) VCF-style: chr6-109774960-C-T.
Other names: c.347G>A, p.Arg116His (NM_001159291.2); c.404G>A, p.Arg135His (NM_001286613.2); short protein forms R116H, R135H.
Identifiers: ClinVar variation 1595713 (VCV001595713.32), dbSNP rs144411949, ClinGen allele CA3953809.

ClinVar aggregate classification (germline): Benign/Likely benign. Review status: criteria provided, multiple submitters, no conflicts (2 of 4 stars). 2 submissions from 2 submitters: Benign (1); Likely benign (1). Last evaluated 2026-01-27.

Allele frequency attached by ClinVar (database versions not stated): 1000 Genomes Project 30x 0.00078; 1000 Genomes Project 0.00100; TOPMed 0.00145; ExAC 0.00155; gnomAD 0.00174 and 0.00175; ESP Exome Variant Server 0.00246.
gnomAD v4.1: 4,836 of 1,613,702 alleles (0.3%); highest among the groups gnomAD compares: Non-Finnish European, 0.38%; 7 homozygotes.

Submissions (2):

Labcorp Genetics (formerly Invitae), Labcorp
Classification: Likely benign. Last evaluated: 2026-01-27. Review status: criteria provided, single submitter. Criteria: Invitae Variant Classification Sherloc (09022015). Collection method: clinical testing. Allele origin: germline.

CeGaT Center for Human Genetics Tuebingen
Classification: Benign. Last evaluated: 2023-03-01. Review status: criteria provided, single submitter. Criteria: CeGaT Center For Human Genetics Tuebingen Variant Classification Criteria Version 2. Collection method: clinical testing. Allele origin: germline. Affected: yes. Observed: 3 variant alleles.
Comment: MICAL1: BS1, BS2